The following is an entry in ClinVar:

ClinVar aggregate classification (germline): Uncertain significance (1 of 4 stars; one submission).

Submission:

GeneDx
Classification: Uncertain significance. Last evaluated: 2015-11-13. Review status: criteria provided, single submitter. Criteria: GeneDx Variant Classification (06012015). Collection method: clinical testing. Allele origin: germline. Affected: yes.
Comment: To our knowledge, the T435A variant has not been published as a pathogenic variant, nor has it been reported as a benign variant. The T435A variant was not observed in approximately 6,500 individuals of European and African American ancestry in the NHLBI Exome Sequencing Project, indicating it is not a common benign variant in these populations. It is a non-conservative amino acid substitution, which is likely to impact secondary protein structure as these residues differ in polarity, charge, size and/or other properties. This substitution occurs at a position conserved in mammals. However, in-silico analysis predicts this variant likely does not alter the protein structure/function. Missense variants at the same codon (T435I) and in nearby residues (K437E, T438P/A/N/I) have been reported in the Human Gene Mutation Database in association with NLRP3-related disorders (Stenson et al., 2014), supporting the functional importance of this region of the protein. Therefore, based on the currently available information, it is unclear whether this variant is a pathogenic variant or a rare benign variant.

NM_001243133.2(NLRP3):c.1297A>G (p.Thr433Ala)

Gene: NLRP3 (NLR family pyrin domain containing 3; plus strand). Cytogenetic location: 1q44.
Variant type: single nucleotide variant.
Coding change: c.1297A>G on transcript NM_001243133.2 (MANE Select); coding-DNA position 1297, A replaced by G.
Protein change: p.Thr433Ala; replaces threonine 433 with alanine.
Molecular consequence: missense variant.
Genome position (GRCh38, 1-based): chr1:247,424,746, A>G. VCF-style: chr1-247424746-A-G. GRCh37 (hg19) VCF-style: chr1-247588048-A-G.
Other names: c.1297A>G, p.Thr433Ala (NM_001079821.3, NM_001127461.3, NM_001127462.3 and 1 more transcripts); c.1303A>G, p.Thr435Ala (NM_004895.5); short protein forms T435A, T433A.
Identifiers: ClinVar variation 234425 (VCV000234425.2), dbSNP rs876661016, ClinGen allele CA10577232.
Genomic context (GRCh38, chr1:247,424,746, plus strand): 5'-TGCTGGATCGTGTGCACTGGACTGAAACAGCAGATGGAGAGTGGCAAGAGCCTTGCCCAG[A>G]CATCCAAGACCACCACCGCGGTGTACGTCTTCTTCCTTTCCAGTTTGCTGCAGCCCCGGG-3'
Protein context (NP_001230062.1, residues 423-443): QMESGKSLAQ[Thr433Ala]SKTTTAVYVF